The following is an entry in ClinVar:

ClinVar aggregate classification (germline): Uncertain significance (1 of 4 stars; one submission).

Conditions:
Joubert syndrome 23 (JBTS23). Identifiers: Orphanet 475, MedGen C4084822, MONDO:0014664, OMIM 616490.
Short-rib thoracic dysplasia 14 with polydactyly (SRTD14). Identifiers: Orphanet 397715, MedGen C4225286, MONDO:0014688, OMIM 616546.

Submission:

Labcorp Genetics (formerly Invitae), Labcorp
Classification: Uncertain significance for Joubert syndrome 23; Short-rib thoracic dysplasia 14 with polydactyly. Last evaluated: 2022-08-09. Review status: criteria provided, single submitter. Criteria: Invitae Variant Classification Sherloc (09022015). Collection method: clinical testing. Allele origin: germline.
Comment: This sequence change affects codon 79 of the KIAA0586 mRNA. It is a 'silent' change, meaning that it does not change the encoded amino acid sequence of the KIAA0586 protein. This variant also falls at the last nucleotide of exon 2, which is part of the consensus splice site for this exon. This variant is not present in population databases (gnomAD no frequency). This variant has not been reported in the literature in individuals affected with KIAA0586-related conditions. ClinVar contains an entry for this variant (Variation ID: 1425631). Algorithms developed to predict the effect of missense changes on protein structure and function are either unavailable or do not agree on the potential impact of this missense change (SIFT: "Deleterious"; PolyPhen-2: "Probably Damaging"; Align-GVGD: "Class C0"). Variants that disrupt the consensus splice site are a relatively common cause of aberrant splicing (PMID: 17576681, 9536098). Algorithms developed to predict the effect of sequence changes on RNA splicing suggest that this variant may disrupt the consensus splice site. In summary, the available evidence is currently insufficient to determine the role of this variant in disease. Therefore, it has been classified as a Variant of Uncertain Significance.

Literature cited by the submitters: PubMed 17576681; PubMed 9536098.

NM_001329943.3(KIAA0586):c.199G>A (p.Gly67Ser)

Gene: KIAA0586 (KIAA0586; plus strand). Cytogenetic location: 14q23.1.
Variant type: single nucleotide variant.
Coding change: c.199G>A on transcript NM_001329943.3 (MANE Select); coding-DNA position 199, G replaced by A.
Protein change: p.Gly67Ser; replaces glycine 67 with serine.
Molecular consequence: missense variant. On other transcripts: intron variant (5).
Genome position (GRCh38, 1-based): chr14:58,428,463, G>A. VCF-style: chr14-58428463-G-A. GRCh37 (hg19) VCF-style: chr14-58895181-G-A.
Other names: c.235G>A, p.Gly79Ser (NM_001244189.2); c.154G>A, p.Gly52Ser (NM_001244190.2); c.199G>A, p.Gly67Ser (NM_001329944.2, NM_001329946.2, NM_001329947.2 and 1 more transcripts); c.-57+826G>A (NM_001244192.2, NM_001244191.2); c.-57+650G>A (NM_001364701.2, NM_001329945.2, NM_001364700.1); short protein forms G52S, G67S, G79S.
Identifiers: ClinVar variation 1425631 (VCV001425631.3), dbSNP rs2140375856, ClinGen allele CA389859330.